The following is an entry in ClinVar:

NM_006445.4(PRPF8):c.56C>T (p.Ala19Val)

Gene: PRPF8 (pre-mRNA processing factor 8; minus strand). Cytogenetic location: 17p13.3.
Variant type: single nucleotide variant.
Coding change: c.56C>T on transcript NM_006445.4 (MANE Select); coding-DNA position 56, C replaced by T.
Protein change: p.Ala19Val; replaces alanine 19 with valine.
Molecular consequence: missense variant.
Genome position (GRCh38, 1-based): chr17:1,684,516, G>A on the plus strand (C>T on the coding strand, the complement: PRPF8 is on the minus strand). VCF-style: chr17-1684516-G-A. GRCh37 (hg19) VCF-style: chr17-1587810-G-A.
Other names: short protein forms A19V.
Identifiers: ClinVar variation 596539 (VCV000596539.8), dbSNP rs763069309, ClinGen allele CA8272754.

ClinVar aggregate classification (germline): Uncertain significance. Review status: criteria provided, multiple submitters, no conflicts (2 of 4 stars). 2 submissions from 2 submitters: Uncertain significance (2). Last evaluated 2023-06-27.

Allele frequency attached by ClinVar (database versions not stated): gnomAD 0.00003; ExAC 0.00004; gnomAD exomes 0.00001 and 0.00002.

Submissions (2):

Labcorp Genetics (formerly Invitae), Labcorp
Classification: Uncertain significance. Last evaluated: 2023-06-27. Review status: criteria provided, single submitter. Criteria: Invitae Variant Classification Sherloc (09022015). Collection method: clinical testing. Allele origin: germline.
Comment: This sequence change replaces alanine, which is neutral and non-polar, with valine, which is neutral and non-polar, at codon 19 of the PRPF8 protein (p.Ala19Val). This variant is present in population databases (rs763069309, gnomAD 0.004%). This variant has not been reported in the literature in individuals affected with PRPF8-related conditions. ClinVar contains an entry for this variant (Variation ID: 596539). An algorithm developed to predict the effect of missense changes on protein structure and function (PolyPhen-2) suggests that this variant is likely to be tolerated. In summary, the available evidence is currently insufficient to determine the role of this variant in disease. Therefore, it has been classified as a Variant of Uncertain Significance.

Eurofins Ntd Llc (ga)
Classification: Uncertain significance. Last evaluated: 2018-04-05. Review status: criteria provided, single submitter. Criteria: EGL ClinVar v180209 classification definitions. Collection method: clinical testing. Allele origin: germline. Observed: 1 variant allele, 1 heterozygote.